The following is an entry in ClinVar:

NM_001204.7(BMPR2):c.2888G>A (p.Gly963Asp)

Gene: BMPR2 (bone morphogenetic protein receptor type 2; plus strand). Cytogenetic location: 2q33.2.
Variant type: single nucleotide variant.
Coding change: c.2888G>A on transcript NM_001204.7 (MANE Select); coding-DNA position 2888, G replaced by A.
Protein change: p.Gly963Asp; replaces glycine 963 with aspartic acid.
Molecular consequence: missense variant.
Genome position (GRCh38, 1-based): chr2:202,559,717, G>A. VCF-style: chr2-202559717-G-A. GRCh37 (hg19) VCF-style: chr2-203424440-G-A.
Other names: short protein forms G963D.
Identifiers: ClinVar variation 3481302 (VCV003481302.1).

ClinVar aggregate classification (germline): Uncertain significance (1 of 4 stars; one submission).

Conditions:
Inborn genetic diseases. Identifiers: MedGen C0950123, MeSH D030342.

Submission:

Ambry Genetics
Classification: Uncertain significance for Inborn genetic diseases. Last evaluated: 2024-11-25. Review status: criteria provided, single submitter. Criteria: Ambry Variant Classification Scheme 2023. Collection method: clinical testing. Allele origin: germline.
Comment: The p.G963D variant (also known as c.2888G>A), located in coding exon 13 of the BMPR2 gene, results from a G to A substitution at nucleotide position 2888. The glycine at codon 963 is replaced by aspartic acid, an amino acid with similar properties. This amino acid position is conserved. In addition, the in silico prediction for this alteration is inconclusive. Based on the available evidence, the clinical significance of this variant remains unclear.